The following is an entry in ClinVar:

NM_001085411.3(NADK2):c.1225A>G (p.Met409Val)

Gene: NADK2 (NAD kinase 2, mitochondrial; minus strand). Cytogenetic location: 5p13.2.
Variant type: single nucleotide variant.
Coding change: c.1225A>G on transcript NM_001085411.3 (MANE Select); coding-DNA position 1225, A replaced by G.
Protein change: p.Met409Val; replaces methionine 409 with valine.
Molecular consequence: missense variant.
Genome position (GRCh38, 1-based): chr5:36,195,248, T>C on the plus strand (A>G on the coding strand, the complement: NADK2 is on the minus strand). VCF-style: chr5-36195248-T-C. GRCh37 (hg19) VCF-style: chr5-36195350-T-C.
Other names: c.736A>G, p.Met246Val (NM_001287340.2, NM_153013.5); c.802A>G, p.Met268Val (NM_001287341.2); c.1225A>G (NM_001085411.1); short protein forms M409V, M246V, M268V.
Identifiers: ClinVar variation 798229 (VCV000798229.15), dbSNP rs62353845, ClinGen allele CA3234472.
Genomic context (GRCh38, chr5:36,195,248, plus strand): 5'-TCATCATCGAAGCAATTGCACCATCATTAAACTCAAAAGAAGTTCCTCCATCCACAACCA[T>C]ACAGGCATCCCAACAACGAGAACGAACACAAACCCTAGGCAGAAGGAAATATCTCATTAA-3'
Protein context (NP_001078880.1, residues 399-419): CVRSRCWDAC[Met409Val]VVDGGTSFEF

ClinVar aggregate classification (germline): Conflicting classifications of pathogenicity. Review status: criteria provided, conflicting classifications (1 of 4 stars). 3 submissions from 3 submitters: Uncertain significance (1); Likely benign (1). 1 of the submissions does not count toward it. Last evaluated 2025-11-05.

Conditions:
Progressive encephalopathy with leukodystrophy due to DECR deficiency. Identifiers: Orphanet 431361, MedGen C1857252, MONDO:0014464, OMIM 616034.
Inborn genetic diseases. Identifiers: MedGen C0950123, MeSH D030342.
NADK2-related disorder. Also called: NADK2-related condition.

Allele frequency attached by ClinVar (database versions not stated): ExAC 0.00037; gnomAD exomes 0.00046 and 0.00065; TOPMed 0.00050; gnomAD 0.00060 and 0.00061; ESP Exome Variant Server 0.00069.

Submissions (3):

Labcorp Genetics (formerly Invitae), Labcorp
Classification: Likely benign for Progressive encephalopathy with leukodystrophy due to DECR deficiency. Last evaluated: 2025-11-05. Review status: criteria provided, single submitter. Criteria: Invitae Variant Classification Sherloc (09022015). Collection method: clinical testing. Allele origin: germline.

Ambry Genetics
Classification: Uncertain significance for Inborn genetic diseases. Last evaluated: 2021-04-30. Review status: criteria provided, single submitter. Criteria: Ambry Variant Classification Scheme 2023. Collection method: clinical testing. Allele origin: germline.

PreventionGenetics, part of Exact Sciences
Classification: Likely benign for NADK2-related condition. Last evaluated: 2022-08-19. Review status: no assertion criteria provided. Collection method: clinical testing. Allele origin: germline. Not counted in ClinVar's aggregate classification.
Comment: This variant is classified as likely benign based on ACMG/AMP sequence variant interpretation guidelines (Richards et al. 2015 PMID: 25741868, with internal and published modifications).